The following is an entry in ClinVar:

NM_021072.4(HCN1):c.959C>T (p.Pro320Leu)

Gene: HCN1 (hyperpolarization activated cyclic nucleotide gated potassium channel 1; minus strand). Cytogenetic location: 5p12.
Variant type: single nucleotide variant.
Coding change: c.959C>T on transcript NM_021072.4 (MANE Select); coding-DNA position 959, C replaced by T.
Protein change: p.Pro320Leu; replaces proline 320 with leucine.
Molecular consequence: missense variant.
Genome position (GRCh38, 1-based): chr5:45,461,898, G>A on the plus strand (C>T on the coding strand, the complement: HCN1 is on the minus strand). VCF-style: chr5-45461898-G-A. GRCh37 (hg19) VCF-style: chr5-45462000-G-A.
Other names: short protein forms P320L.
Identifiers: ClinVar variation 1676397 (VCV001676397.9), dbSNP rs2111627083, ClinGen allele CA359704858.

ClinVar aggregate classification (germline): Uncertain significance. Review status: criteria provided, multiple submitters, no conflicts (2 of 4 stars). 2 submissions from 2 submitters: Uncertain significance (2). Last evaluated 2024-05-01.

Conditions:
Early-infantile DEE. Also called: Ohtahara syndrome; Early infantile epileptic encephalopathy with suppression bursts; Early infantile epileptic encephalopathy. Identifiers: Orphanet 1934, MedGen C0393706, MONDO:0800491.

Submissions (2):

GeneDx
Classification: Uncertain significance. Last evaluated: 2024-05-01. Review status: criteria provided, single submitter. Criteria: GeneDx Variant Classification Process June 2021. Collection method: clinical testing. Allele origin: germline. Affected: yes.
Comment: Not observed at significant frequency in large population cohorts (gnomAD); In silico analysis supports that this missense variant has a deleterious effect on protein structure/function; Has not been previously published as pathogenic or benign to our knowledge

Labcorp Genetics (formerly Invitae), Labcorp
Classification: Uncertain significance for Early-infantile DEE. Last evaluated: 2023-08-10. Review status: criteria provided, single submitter. Criteria: Invitae Variant Classification Sherloc (09022015). Collection method: clinical testing. Allele origin: germline.
Comment: This sequence change replaces proline, which is neutral and non-polar, with leucine, which is neutral and non-polar, at codon 320 of the HCN1 protein (p.Pro320Leu). This variant is not present in population databases (gnomAD no frequency). This variant has not been reported in the literature in individuals affected with HCN1-related conditions. This missense change has been observed in at least one individual who was not affected with HCN1-related conditions (Invitae). ClinVar contains an entry for this variant (Variation ID: 1676397). Advanced modeling of protein sequence and biophysical properties (such as structural, functional, and spatial information, amino acid conservation, physicochemical variation, residue mobility, and thermodynamic stability) performed at Invitae indicates that this missense variant is expected to disrupt HCN1 protein function. In summary, the available evidence is currently insufficient to determine the role of this variant in disease. Therefore, it has been classified as a Variant of Uncertain Significance.